The following is an entry in ClinVar:

NM_015267.4(CUX2):c.4010G>A (p.Gly1337Asp)

Gene: CUX2 (cut like homeobox 2; plus strand). Cytogenetic location: 12q24.12.
Variant type: single nucleotide variant.
Coding change: c.4010G>A on transcript NM_015267.4 (MANE Select); coding-DNA position 4010, G replaced by A.
Protein change: p.Gly1337Asp; replaces glycine 1337 with aspartic acid.
Molecular consequence: missense variant.
Genome position (GRCh38, 1-based): chr12:111,347,874, G>A. VCF-style: chr12-111347874-G-A. GRCh37 (hg19) VCF-style: chr12-111785678-G-A.
Other names: c.3824G>A, p.Gly1275Asp (NM_001370598.1); short protein forms G1275D, G1337D.
Identifiers: ClinVar variation 716175 (VCV000716175.31), dbSNP rs201485891, ClinGen allele CA6789276.

ClinVar aggregate classification (germline): Likely benign. Review status: criteria provided, multiple submitters, no conflicts (2 of 4 stars). 5 submissions from 5 submitters: Likely benign (4). 1 of the submissions does not count toward it. Last evaluated 2026-04-01.

Conditions:
CUX2-related disorder. Also called: CUX2-related condition.

Allele frequency attached by ClinVar (database versions not stated): 1000 Genomes Project 30x 0.00016; 1000 Genomes Project 0.00020; ESP Exome Variant Server 0.00083; TOPMed 0.00099; gnomAD 0.00108 and 0.00113.
gnomAD v4.1: 2,411 of 1,614,122 alleles (0.15%); highest among the groups gnomAD compares: Non-Finnish European, 0.18%; 3 homozygotes.

Submissions (5):

CeGaT Center for Human Genetics Tuebingen
Classification: Likely benign. Last evaluated: 2026-04-01. Review status: criteria provided, single submitter. Criteria: CeGaT Center For Human Genetics Tuebingen Variant Classification Criteria Version 2. Collection method: clinical testing. Allele origin: germline. Affected: yes. Observed: 9 variant alleles.
Comment: CUX2: BP4, BS1

Blueprint Genetics
Classification: Likely benign. Last evaluated: 2024-11-27. Review status: criteria provided, single submitter. Criteria: ACMG Guidelines, 2015. Collection method: clinical testing. Allele origin: germline.

Labcorp Genetics (formerly Invitae), Labcorp
Classification: Likely benign. Last evaluated: 2019-12-31. Review status: criteria provided, single submitter. Criteria: Invitae Variant Classification Sherloc (09022015). Collection method: clinical testing. Allele origin: germline.

Breakthrough Genomics
Classification: Likely benign. Review status: criteria provided, single submitter. Criteria: ACMG Guidelines, 2015. Collection method: not provided. Allele origin: germline. Inheritance: Autosomal dominant inheritance. Affected: yes.

PreventionGenetics, part of Exact Sciences
Classification: Likely benign for CUX2-related condition. Last evaluated: 2020-11-10. Review status: no assertion criteria provided. Collection method: clinical testing. Allele origin: germline. Not counted in ClinVar's aggregate classification.
Comment: This variant is classified as likely benign based on ACMG/AMP sequence variant interpretation guidelines (Richards et al. 2015 PMID: 25741868, with internal and published modifications).